The following is an entry in ClinVar:

NM_172107.4(KCNQ2):c.832A>G (p.Ile278Val)

Gene: KCNQ2 (potassium voltage-gated channel subfamily Q member 2; minus strand). Cytogenetic location: 20q13.33.
Variant type: single nucleotide variant.
Coding change: c.832A>G on transcript NM_172107.4 (MANE Select); coding-DNA position 832, A replaced by G.
Protein change: p.Ile278Val; replaces isoleucine 278 with valine.
Molecular consequence: missense variant.
Genome position (GRCh38, 1-based): chr20:63,439,693, T>C on the plus strand (A>G on the coding strand, the complement: KCNQ2 is on the minus strand). VCF-style: chr20-63439693-T-C. GRCh37 (hg19) VCF-style: chr20-62071046-T-C.
Other names: c.832A>G, p.Ile278Val (NM_001382235.1, NM_004518.6, NM_172106.3 and 2 more transcripts); short protein forms I278V.
Identifiers: ClinVar variation 2573142 (VCV002573142.6), dbSNP rs780872303, ClinGen allele CA9958711.

ClinVar aggregate classification (germline): Uncertain significance (1 of 4 stars; one submission).

Conditions:
Early-infantile DEE. Also called: Early infantile epileptic encephalopathy; Early infantile epileptic encephalopathy with suppression bursts; Ohtahara syndrome. Identifiers: Orphanet 1934, MedGen C0393706, MONDO:0800491.

Allele frequency attached by ClinVar (database versions not stated): gnomAD exomes below 0.00001; TOPMed below 0.00001; ExAC 0.00002.
gnomAD v4.1: 1 of 1,613,440 alleles (0.000062%); highest among the groups gnomAD compares: South Asian, 0.0011%; no homozygotes.

Submissions (7):

Labcorp Genetics (formerly Invitae), Labcorp
Classification: Uncertain significance for Early-infantile DEE. Last evaluated: 2023-11-14. Review status: criteria provided, single submitter. Criteria: Invitae Variant Classification Sherloc (09022015). Collection method: clinical testing. Allele origin: germline.
Comment: This sequence change replaces isoleucine, which is neutral and non-polar, with valine, which is neutral and non-polar, at codon 278 of the KCNQ2 protein (p.Ile278Val). This variant is present in population databases (rs780872303, gnomAD 0.002%). This variant has not been reported in the literature in individuals affected with KCNQ2-related conditions. ClinVar contains an entry for this variant (Variation ID: 2573142). Advanced modeling of protein sequence and biophysical properties (such as structural, functional, and spatial information, amino acid conservation, physicochemical variation, residue mobility, and thermodynamic stability) performed at Invitae indicates that this missense variant is expected to disrupt KCNQ2 protein function with a positive predictive value of 80%. Experimental studies have shown that this missense change affects KCNQ2 function (PMID: 35104249). This variant disrupts the p.Ile278 amino acid residue in KCNQ2. Other variant(s) that disrupt this residue have been determined to be pathogenic (PMID: 30109124, 31780880; Invitae). This suggests that this residue is clinically significant, and that variants that disrupt this residue are likely to be disease-causing. In summary, the available evidence is currently insufficient to determine the role of this variant in disease. Therefore, it has been classified as a Variant of Uncertain Significance.

Channelopathy-Associated Epilepsy Research Center
No classification provided (evidence only). Condition: Complex neurodevelopmental disorder. Review status: no classification provided. Collection method: literature only. Allele origin: not applicable. Functional consequence: Moderate decrease in peak current, Mild slowing of activation, Mild hyperpolarizing shift of voltage dependence of activation. Not counted in ClinVar's aggregate classification.
ClinVar note: "not provided" was previously submitted as the classification for the variant. However, the classification appeared to be based only on an observation of functional data so it was converted to no classification on 2025-07-30.

Channelopathy-Associated Epilepsy Research Center
No classification provided (evidence only). Review status: no classification provided. Collection method: in vitro. Allele origin: not applicable. Functional consequence: Normal peak current. Not counted in ClinVar's aggregate classification.

Channelopathy-Associated Epilepsy Research Center
No classification provided (evidence only). Review status: no classification provided. Collection method: in vitro. Allele origin: not applicable. Functional consequence: Normal peak current. Not counted in ClinVar's aggregate classification.

Channelopathy-Associated Epilepsy Research Center
No classification provided (evidence only). Review status: no classification provided. Collection method: in vitro. Allele origin: not applicable. Functional consequence: Normal voltage dependence of activation. Not counted in ClinVar's aggregate classification.

Channelopathy-Associated Epilepsy Research Center
No classification provided (evidence only). Review status: no classification provided. Collection method: in vitro. Allele origin: not applicable. Functional consequence: Normal slope of activation. Not counted in ClinVar's aggregate classification.

Channelopathy-Associated Epilepsy Research Center
No classification provided (evidence only). Review status: no classification provided. Collection method: in vitro. Allele origin: not applicable. Functional consequence: Normal rate of activation. Not counted in ClinVar's aggregate classification.

Literature cited by the submitters: PubMed 35104249 (cited by Labcorp Genetics (formerly Invitae), Labcorp and Channelopathy-Associated Epilepsy Research Center); PubMed 30109124 (cited by Labcorp Genetics (formerly Invitae), Labcorp); PubMed 31780880 (cited by Labcorp Genetics (formerly Invitae), Labcorp).